The following is an entry in ClinVar:

NM_005592.4(MUSK):c.753+5G>A

Gene: MUSK (muscle associated receptor tyrosine kinase; plus strand). Cytogenetic location: 9q31.3.
Variant type: single nucleotide variant.
Coding change: c.753+5G>A on transcript NM_005592.4 (MANE Select); 5 bases into the intron after coding-DNA position 753, G replaced by A.
Molecular consequence: intron variant.
Genome position (GRCh38, 1-based): chr9:110,734,380, G>A. VCF-style: chr9-110734380-G-A. GRCh37 (hg19) VCF-style: chr9-113496660-G-A.
Other names: c.783+5G>A (NM_001166280.2); c.753+5G>A (NM_001166281.2); c.-484+5G>A (NM_001369398.1).
Identifiers: ClinVar variation 1362429 (VCV001362429.3), dbSNP rs2077002564, ClinGen allele CA1872178798.

ClinVar aggregate classification (germline): Uncertain significance (1 of 4 stars; one submission).

Conditions:
Congenital myasthenic syndrome 9. Also called: Myasthenic syndrome, congenital, 9, associated with acetylcholine receptor deficiency. Identifiers: Orphanet 590, MedGen C4225368, MONDO:0014587, OMIM 616325.
Fetal akinesia deformation sequence 1 (FADS1). Also called: Fetal akinesia sequence; Pena-Shokeir syndrome type I. Identifiers: Orphanet 994, MedGen C1276035, MONDO:0100101, OMIM 208150, HP:0001989.

Allele frequency attached by ClinVar (database versions not stated): TOPMed below 0.00001.

Submission:

Labcorp Genetics (formerly Invitae), Labcorp
Classification: Uncertain significance for Congenital myasthenic syndrome 9; Fetal akinesia deformation sequence 1. Last evaluated: 2022-08-31. Review status: criteria provided, single submitter. Criteria: Invitae Variant Classification Sherloc (09022015). Collection method: clinical testing. Allele origin: germline.
Comment: This sequence change falls in intron 6 of the MUSK gene. It does not directly change the encoded amino acid sequence of the MUSK protein. It affects a nucleotide within the consensus splice site. This variant is not present in population databases (gnomAD no frequency). This variant has not been reported in the literature in individuals affected with MUSK-related conditions. ClinVar contains an entry for this variant (Variation ID: 1362429). Variants that disrupt the consensus splice site are a relatively common cause of aberrant splicing (PMID: 17576681, 9536098). Algorithms developed to predict the effect of sequence changes on RNA splicing suggest that this variant may disrupt the consensus splice site. In summary, the available evidence is currently insufficient to determine the role of this variant in disease. Therefore, it has been classified as a Variant of Uncertain Significance.

Literature cited by the submitters: PubMed 17576681; PubMed 9536098.